The following is an entry in ClinVar:

ClinVar aggregate classification (germline): Conflicting classifications of pathogenicity. Review status: criteria provided, conflicting classifications (1 of 4 stars). 2 submissions from 2 submitters: Uncertain significance (1); Likely benign (1). Last evaluated 2026-01-15.

Allele frequency attached by ClinVar (database versions not stated): 1000 Genomes Project 0.00060; 1000 Genomes Project 30x 0.00078; gnomAD 0.00166; TOPMed 0.00169; ESP Exome Variant Server 0.00177.
gnomAD v4.1: 394 of 1,539,656 alleles (0.026%); highest among the groups gnomAD compares: African/African-American, 0.46%; no homozygotes.

Submissions (2):

Labcorp Genetics (formerly Invitae), Labcorp
Classification: Likely benign. Last evaluated: 2026-01-15. Review status: criteria provided, single submitter. Criteria: Invitae Variant Classification Sherloc (09022015). Collection method: clinical testing. Allele origin: germline.

GeneDx
Classification: Uncertain significance. Last evaluated: 2019-05-28. Review status: criteria provided, single submitter. Criteria: GeneDx Variant Classification Process June 2021. Collection method: clinical testing. Allele origin: germline. Affected: yes.
Comment: In silico analysis, which includes protein predictors and evolutionary conservation, supports a deleterious effect; Has not been previously published as pathogenic or benign to our knowledge; This variant is associated with the following publications: (PMID: 31726455)

NM_017563.5(IL17RD):c.878C>T (p.Pro293Leu)

Gene: IL17RD (interleukin 17 receptor D; minus strand). Cytogenetic location: 3p14.3.
Variant type: single nucleotide variant.
Coding change: c.878C>T on transcript NM_017563.5 (MANE Select); coding-DNA position 878, C replaced by T.
Protein change: p.Pro293Leu; replaces proline 293 with leucine.
Molecular consequence: missense variant.
Genome position (GRCh38, 1-based): chr3:57,102,580, G>A on the plus strand (C>T on the coding strand, the complement: IL17RD is on the minus strand). VCF-style: chr3-57102580-G-A. GRCh37 (hg19) VCF-style: chr3-57136608-G-A.
Other names: c.446C>T, p.Pro149Leu (NM_001318864.2); short protein forms P149L, P293L.
Identifiers: ClinVar variation 738811 (VCV000738811.10), dbSNP rs150457965, ClinGen allele CA2462885.
Genomic context (GRCh38, chr3:57,102,580, plus strand): 5'-AATGCCGATATGACTACCAGTGGCACTGTGATGGCCACGGCTCTGATGGGCCCGGCCCAC[G>A]GGGAGTGCACTGGGAAATTTCAAAGGGAAAGTTTTTAAACTTAAGCAGTGTAAAGGTTCA-3'
Protein context (NP_060033.3, residues 283-303): MHYALKPVHS[Pro293Leu]WAGPIRAVAI